The following is an entry in ClinVar:

ClinVar aggregate classification (germline): Conflicting classifications of pathogenicity. Review status: criteria provided, conflicting classifications (1 of 4 stars). 2 submissions from 2 submitters: Pathogenic (1); Uncertain significance (1). Last evaluated 2026-01-05.

Conditions:
CD36-related disorder. Also called: CD36-related condition; CD36-related disorders.
Platelet-type bleeding disorder 10. Also called: CD36 DEFICIENCY. Identifiers: MedGen C1842090, MONDO:0012031, OMIM 608404.

Submissions (2):

3billion
Classification: Pathogenic for Platelet-type bleeding disorder 10. Last evaluated: 2026-01-05. Review status: criteria provided, single submitter. Criteria: ACMG Guidelines, 2015. Collection method: clinical testing. Allele origin: germline. Affected: yes.
Comment: The variant is observed at an extremely low frequency in the gnomAD v4.1.0 dataset (total allele frequency: 0.002%). Predicted Consequence/Location: Frameshift: predicted to result in a loss or disruption of normal protein function through nonsense-mediated decay (NMD) or protein truncation. Multiple pathogenic variants are reported downstream of the variant. The variant has been reported to be associated with CD36-related disorder (PMID: 40263194). Therefore, this variant is classified as Pathogenic according to the recommendation of ACMG/AMP guideline.

PreventionGenetics, part of Exact Sciences
Classification: Uncertain significance for CD36-related condition. Last evaluated: 2025-09-29. Review status: criteria provided, single submitter. Criteria: ACMG Guidelines, 2015. Collection method: clinical testing. Allele origin: germline.
Comment: The CD36 c.1328_1331dupTGAT variant is predicted to result in a frameshift and premature protein termination (p.Glu445Aspfs*65). To our knowledge, this variant has not been reported in the literature. This variant is reported in 0.035% of alleles in individuals of East Asian descent in gnomAD. This variant resides in the final exon of this gene, and it is unclear if the resulting mRNA would undergo nonsense-mediated decay. At this time, the clinical significance of this variant is uncertain due to the absence of conclusive functional and genetic evidence.

Literature cited by the submitters: PubMed 40263194 (cited by 3billion).

NM_001001548.3(CD36):c.1328_1331dup (p.Glu445fs)

Gene: CD36 (CD36 molecule (CD36 blood group); plus strand). Cytogenetic location: 7q21.11.
Variant type: Duplication.
Coding change: c.1328_1331dup on transcript NM_001001548.3 (MANE Select); coding-DNA positions 1328 to 1331, 4 bases duplicated (TGAT; older notation c.1328_1331dupTGAT).
Protein change: p.Glu445fs; shifts the reading frame from glutamic acid 445.
Molecular consequence: frameshift variant. On other transcripts: non-coding transcript variant (1).
Genome position (GRCh38, 1-based): chr7:80,674,056-80,674,059, TGAT duplicated. VCF-style (leftmost placement, unchanged base first): chr7-80674055-C-CTGAT. GRCh37 (hg19) VCF-style: chr7-80303371-C-CTGAT.
Other names: c.1328_1331dup, p.Glu445fs (NM_000072.3, NM_001001547.3, NM_001127443.2 and 5 more transcripts); c.1211_1214dup, p.Glu406fs (NM_001289908.1); c.1148_1151dup, p.Glu385fs (NM_001289909.1); c.1100_1103dup, p.Glu369fs (NM_001289911.2); c.1226_1229dup, p.Glu411fs (NM_001371079.1); c.863_866dup, p.Glu290fs (NM_001371080.1, NM_001371081.1); c.1328_1331dupTGAT (NM_001001547.2); short protein forms E290fs, E369fs, E385fs, E406fs, E411fs, E445fs.
Identifiers: ClinVar variation 4854651 (VCV004854651.2).